The following is an entry in ClinVar:

NM_001378778.1(MPDZ):c.3255-2424G>A

Gene: MPDZ (multiple PDZ domain crumbs cell polarity complex component; minus strand). Cytogenetic location: 9p23.
Variant type: single nucleotide variant.
Coding change: c.3255-2424G>A on transcript NM_001378778.1 (MANE Select); 2424 bases into the intron before coding-DNA position 3255, G replaced by A.
Molecular consequence: intron variant.
Genome position (GRCh38, 1-based): chr9:13,165,219, C>T on the plus strand (G>A on the coding strand, the complement: MPDZ is on the minus strand). VCF-style: chr9-13165219-C-T. GRCh37 (hg19) VCF-style: chr9-13165218-C-T.
Other names: c.3255-2424G>A (NM_001375425.1, NM_001375420.1, NM_001375419.1 and 13 more transcripts); c.3254+3147G>A (NM_001375427.1).
Identifiers: ClinVar variation 3900746 (VCV003900746.1).

ClinVar aggregate classification (germline): Benign (1 of 4 stars; one submission).

Conditions:
Hydrocephalus, nonsyndromic, autosomal recessive 2. Also called: Hydrocephalus, congenital, 2, with or without brain or eye anomalies. Identifiers: Orphanet 2185, MedGen C3554691, MONDO:0014085, OMIM 615219.

gnomAD v4.1: 479,393 of 773,112 alleles (62%); highest among the groups gnomAD compares: Non-Finnish European, 67%; 155,313 homozygotes.

Submission:

Medical Genetics Laboratory, Niloo Shiraz Laboratory
Classification: Benign for Hydrocephalus, nonsyndromic, autosomal recessive 2. Review status: criteria provided, single submitter. Criteria: ACMG Guidelines, 2015. Collection method: clinical testing. Allele origin: germline. Inheritance: Autosomal recessive inheritance. Affected: no.
Comment: This variant demonstrates a high allele frequency in both global population databases (e.g., gnomAD, 1000 Genomes) and in our local Niloo Genome database. Notably, multiple individuals in our internal database are observed to carry this variant in a homozygous state without reported clinical phenotypes associated with pathogenicity. Given the high frequency and presence in homozygous individuals without disease manifestation, this variant is interpreted as benign according to ACMG/AMP guidelines